The following is an entry in ClinVar:

ClinVar aggregate classification (germline): Pathogenic (1 of 4 stars; one submission).

Conditions:
Ehlers-Danlos syndrome, type 4 (EDSVASC). Also called: Ehlers-Danlos syndrome vascular type; Ehlers Danlos syndrome, ecchymotic type; Ehlers Danlos syndrome, arterial type; Ehlers Danlos syndrome, Sack-Barabas type; Ehlers-Danlos Syndrome Type IV. Identifiers: Orphanet 286, MedGen C0268338, MONDO:0017314, OMIM 130050.

Submission:

Labcorp Genetics (formerly Invitae), Labcorp
Classification: Pathogenic for Ehlers-Danlos syndrome, type 4. Last evaluated: 2025-09-22. Review status: criteria provided, single submitter. Criteria: Invitae Variant Classification Sherloc (09022015). Collection method: clinical testing. Allele origin: germline.
Comment: This sequence change creates a premature translational stop signal (p.Tyr39*) in the COL3A1 gene. It is expected to result in an absent or disrupted protein product. Loss-of-function variants in COL3A1 are known to be pathogenic (PMID: 24922459). This variant is not present in population databases (gnomAD no frequency). This variant has not been reported in the literature in individuals affected with COL3A1-related conditions. For these reasons, this variant has been classified as Pathogenic.

Literature cited by the submitters: PubMed 24922459.

NM_000090.4(COL3A1):c.117del (p.Ser38_Tyr39insTer)

Gene: COL3A1 (collagen type III alpha 1 chain; plus strand). Cytogenetic location: 2q32.2.
Variant type: Deletion.
Coding change: c.117del on transcript NM_000090.4 (MANE Select); coding-DNA position 117, one base deleted (T; older notation c.117delT).
Protein change: p.Ser38_Tyr39insTer.
Molecular consequence: nonsense.
Genome position (GRCh38, 1-based): chr2:188,984,797, T deleted. VCF-style (leftmost placement, unchanged base first): chr2-188984796-AT-A. GRCh37 (hg19) VCF-style: chr2-189849522-AT-A.
Identifiers: ClinVar variation 4727386 (VCV004727386.1).
Genomic context (GRCh38, chr2:188,984,796, plus strand): 5'-CACGTCATCTAACTTGTTTTTCAGCTGTTGAAGGAGGATGTTCCCATCTTGGTCAGTCCT[AT>A]GCGGATAGAGATGTCTGGAAGCCAGAACCATGCCAAATATGTGTCTGTGACTCAGGATCC-3'